The following is an entry in ClinVar:

ClinVar aggregate classification (germline): Pathogenic/Likely pathogenic. Review status: criteria provided, multiple submitters, no conflicts (2 of 4 stars). 8 submissions from 8 submitters: Pathogenic (6); Likely pathogenic (2). Last evaluated 2024-03-07.

Conditions:
GABRB3-related disorder. Also called: GABRB3-related condition.
Developmental and epileptic encephalopathy, 43 (DEE43). Also called: Epileptic encephalopathy, early infantile, 43. Identifiers: MedGen C4310712, MONDO:0014921, OMIM 617113.
Epilepsy, childhood absence, susceptibility to, 5. Identifiers: Orphanet 64280, MedGen C2677087, MONDO:0012843, OMIM 612269.
Epilepsy, childhood absence, susceptibility to, 1. Also called: Epilepsy, childhood absence 1. Identifiers: Orphanet 64280, MedGen C1838604, MONDO:0020759, OMIM 600131.

Submissions (8):

3billion
Classification: Pathogenic for Developmental and epileptic encephalopathy, 43. Last evaluated: 2024-03-07. Review status: criteria provided, single submitter. Criteria: ACMG Guidelines, 2015. Collection method: clinical testing. Allele origin: germline. Affected: yes.
Comment: The variant is not observed in the gnomAD v2.1.1 dataset. Predicted Consequence/Location: The variant is located in a mutational hot spot and/or well-established functional domain in which established pathogenic variants have been reported (PMID: 34906499). Missense changes are a common disease-causing mechanism. In silico tool predictions suggest damaging effect of the variant on gene or gene product [REVEL: 0.98 (>=0.6, sensitivity 0.68 and specificity 0.92); 3Cnet: 0.98 (>=0.6, sensitivity 0.72 and precision 0.9)]. Same nucleotide change resulting in same amino acid change has been previously reported as pathogenic/likely pathogenic with strong evidence (ClinVar ID: VCV000839250 /PMID: 23934111). Therefore, this variant is classified as Pathogenic according to the recommendation of ACMG/AMP guideline.

Institute of Human Genetics, University of Leipzig Medical Center
Classification: Pathogenic for Developmental and epileptic encephalopathy, 43. Last evaluated: 2023-11-09. Review status: criteria provided, single submitter. Criteria: ACMG Guidelines, 2015. Collection method: clinical testing. Allele origin: unknown. Inheritance: Autosomal dominant inheritance. Affected: yes.
Comment: Criteria applied: PS2,PS3,PS4_MOD,PM2_SUP

GeneDx
Classification: Pathogenic. Last evaluated: 2022-05-27. Review status: criteria provided, single submitter. Criteria: GeneDx Variant Classification Process June 2021. Collection method: clinical testing. Allele origin: germline. Affected: yes.
Comment: Published functional studies demonstrate a damaging effect with significantly reduced GABA-activated current and impaired receptor activation (Janve et al., 2016; Absalom et al., 2019); Not observed at significant frequency in large population cohorts (gnomAD); In silico analysis supports that this missense variant has a deleterious effect on protein structure/function; This variant is associated with the following publications: (PMID: 31755996, 23934111, 26950270, 28053010, 29141310, 30728247, 29162865, 26645412, 29186148, 31435640, 33535681, 35383156, 33358312, 34906499, 34012375, 34778987)

Labcorp Genetics (formerly Invitae), Labcorp
Classification: Pathogenic for Epilepsy, childhood absence, susceptibility to, 5; Epilepsy, childhood absence, susceptibility to, 1. Last evaluated: 2021-09-21. Review status: criteria provided, single submitter. Criteria: Invitae Variant Classification Sherloc (09022015). Collection method: clinical testing. Allele origin: germline.
Comment: This sequence change replaces tyrosine with cysteine at codon 302 of the GABRB3 protein (p.Tyr302Cys). The tyrosine residue is highly conserved and there is a large physicochemical difference between tyrosine and cysteine. This variant is not present in population databases (ExAC no frequency). This missense change has been observed in individual(s) with focal epilepsy and/or Lennox-Gastaut syndrome (PMID: 23934111, 28053010). In at least one individual the variant was observed to be de novo. ClinVar contains an entry for this variant (Variation ID: 839250). Advanced modeling of protein sequence and biophysical properties (such as structural, functional, and spatial information, amino acid conservation, physicochemical variation, residue mobility, and thermodynamic stability) performed at Invitae indicates that this missense variant is expected to disrupt GABRB3 protein function. Experimental studies have shown that this missense change affects GABRB3 function (PMID: 28053010). For these reasons, this variant has been classified as Pathogenic.

Baylor Genetics
Classification: Pathogenic for Developmental and epileptic encephalopathy, 43. Last evaluated: 2021-08-09. Review status: criteria provided, single submitter. Criteria: ACMG Guidelines, 2015. Collection method: clinical testing. Allele origin: unknown.

CeGaT Center for Human Genetics Tuebingen
Classification: Pathogenic. Last evaluated: 2020-12-01. Review status: criteria provided, single submitter. Criteria: CeGaT Center For Human Genetics Tuebingen Variant Classification Criteria Version 2. Collection method: clinical testing. Allele origin: germline. Affected: yes. Observed: 1 variant allele.

Laboratoire Génétique Moléculaire, CHRU TOURS
Classification: Likely pathogenic. Last evaluated: 2020-04-08. Review status: criteria provided, single submitter. Criteria: ACMG Guidelines, 2015. Collection method: clinical testing. Allele origin: unknown. Affected: yes.

Blueprint Genetics
Classification: Likely pathogenic for GABRB3-related disorders. Last evaluated: 2018-03-24. Review status: criteria provided, single submitter. Criteria: ACMG Guidelines, 2015. Collection method: clinical testing. Allele origin: germline. Affected: yes. Observed: 1 variant allele.

Literature cited by the submitters: PubMed 34906499 (cited by 3billion); PubMed 23934111 (cited by 3billion and Labcorp Genetics (formerly Invitae), Labcorp); PubMed 28053010 (cited by Labcorp Genetics (formerly Invitae), Labcorp).

NM_000814.6(GABRB3):c.905A>G (p.Tyr302Cys)

Gene: GABRB3 (gamma-aminobutyric acid type A receptor subunit beta3; minus strand). Cytogenetic location: 15q12.
Variant type: single nucleotide variant.
Coding change: c.905A>G on transcript NM_000814.6 (MANE Select); coding-DNA position 905, A replaced by G.
Protein change: p.Tyr302Cys; replaces tyrosine 302 with cysteine.
Molecular consequence: missense variant.
Genome position (GRCh38, 1-based): chr15:26,561,107, T>C on the plus strand (A>G on the coding strand, the complement: GABRB3 is on the minus strand). VCF-style: chr15-26561107-T-C. GRCh37 (hg19) VCF-style: chr15-26806254-T-C.
Other names: c.650A>G, p.Tyr217Cys (NM_001191320.2, NM_001278631.2); c.692A>G, p.Tyr231Cys (NM_001191321.3); c.905A>G, p.Tyr302Cys (NM_021912.5); short protein forms Y217C, Y231C, Y302C.
Identifiers: ClinVar variation 839250 (VCV000839250.48), dbSNP rs1889966424, ClinGen allele CA391462145.